The following is an entry in ClinVar:

ClinVar aggregate classification (germline): Uncertain significance. Review status: criteria provided, multiple submitters, no conflicts (2 of 4 stars). 2 submissions from 2 submitters: Uncertain significance (2). Last evaluated 2025-03-10.

Conditions:
Hereditary cancer-predisposing syndrome. Also called: Neoplastic Syndromes, Hereditary; Tumor predisposition; Hereditary neoplastic syndrome; Hereditary Cancer Syndrome. Identifiers: Orphanet 140162, MedGen C0027672, MeSH D009386, MONDO:0015356.

gnomAD v4.1: 18 of 1,501,374 alleles (0.0012%); highest among the groups gnomAD compares: Non-Finnish European, 0.0016%; no homozygotes.

Submissions (2):

Labcorp Genetics (formerly Invitae), Labcorp
Classification: Uncertain significance. Last evaluated: 2025-03-10. Review status: criteria provided, single submitter. Criteria: Invitae Variant Classification Sherloc (09022015). Collection method: clinical testing. Allele origin: germline.
Comment: This sequence change affects codon 14 of the POLE mRNA. It is a 'silent' change, meaning that it does not change the encoded amino acid sequence of the POLE protein. This variant is not present in population databases (gnomAD no frequency). This variant has not been reported in the literature in individuals affected with POLE-related conditions. ClinVar contains an entry for this variant (Variation ID: 578959). Algorithms developed to predict the effect of sequence changes on RNA splicing suggest that this variant may create or strengthen a splice site. In summary, the available evidence is currently insufficient to determine the role of this variant in disease. Therefore, it has been classified as a Variant of Uncertain Significance.

Ambry Genetics
Classification: Uncertain significance for Hereditary cancer-predisposing syndrome. Last evaluated: 2025-01-30. Review status: criteria provided, single submitter. Criteria: Ambry Variant Classification Scheme 2023. Collection method: clinical testing. Allele origin: germline.
Comment: The c.42C>T variant (also known as p.G14G), located in coding exon 1 of the POLE gene, results from a C to T substitution at nucleotide position 42. This nucleotide substitution does not change the amino acid at codon 14. This nucleotide position is well conserved in available vertebrate species. In silico splice site analysis predicts that this alteration will result in the creation or strengthening of a novel splice donor site. Based on the available evidence, the clinical significance of this variant remains unclear.

NM_006231.4(POLE):c.42C>T (p.Gly14=)

Genes: POLE (DNA polymerase epsilon, catalytic subunit; minus strand), LOC130009266 (ATAC-STARR-seq lymphoblastoid silent region 5123; plus strand). Cytogenetic location: 12q24.33.
Variant type: single nucleotide variant.
Coding change: c.42C>T on transcript NM_006231.4 (MANE Select); coding-DNA position 42, C replaced by T.
Protein change: p.Gly14=; no amino-acid change (glycine 14 retained).
Molecular consequence: synonymous variant.
Genome position (GRCh38, 1-based): chr12:132,687,274, G>A on the plus strand (C>T on the coding strand, the complement: POLE is on the minus strand). VCF-style: chr12-132687274-G-A. GRCh37 (hg19) VCF-style: chr12-133263860-G-A.
Other names: c.42C>T (NM_006231.2).
Identifiers: ClinVar variation 578959 (VCV000578959.8), dbSNP rs934764678, ClinGen allele CA246308255.